The following is an entry in ClinVar:

ClinVar aggregate classification (germline): Uncertain significance (1 of 4 stars; one submission).

Conditions:
Charcot-Marie-Tooth disease type 4. Also called: Charcot-Marie-Tooth disease, type IV; Charcot-Marie-Tooth, Type 4. Identifiers: Orphanet 64749, MedGen C4082197, MONDO:0018995.

Submission:

Labcorp Genetics (formerly Invitae), Labcorp
Classification: Uncertain significance for Charcot-Marie-Tooth disease type 4. Last evaluated: 2015-12-19. Review status: criteria provided, single submitter. Criteria: Invitae Variant Classification Sherloc (09022015). Collection method: clinical testing. Allele origin: germline.
Comment: This sequence change replaces proline with serine at codon 1188 of the PRX protein (p.Pro1188Ser). The proline residue is highly conserved and there is a moderate physicochemical difference between proline and serine. This variant is not present in population databases (ExAC no frequency) and has not been reported in the literature in affected individuals. Algorithms developed to predict the effect of missense changes on protein structure and function do not agree on the potential impact of this missense change (SIFT: "Deleterious"; PolyPhen-2: "Possibly Damaging"; Align-GVGD: "Class C0"). In summary, this is a novel missense change with uncertain impact on protein function. It has been classified as a Variant of Uncertain Significance.

NM_181882.3(PRX):c.3562C>T (p.Pro1188Ser)

Gene: PRX (periaxin; minus strand). Cytogenetic location: 19q13.2.
Variant type: single nucleotide variant.
Coding change: c.3562C>T on transcript NM_181882.3 (MANE Select); coding-DNA position 3562, C replaced by T.
Protein change: p.Pro1188Ser; replaces proline 1188 with serine.
Molecular consequence: missense variant. On other transcripts: 3 prime UTR variant (1).
Genome position (GRCh38, 1-based): chr19:40,394,790, G>A on the plus strand (C>T on the coding strand, the complement: PRX is on the minus strand). VCF-style: chr19-40394790-G-A. GRCh37 (hg19) VCF-style: chr19-40900697-G-A.
Other names: c.*3767C>T (NM_020956.2); short protein forms P1188S.
Identifiers: ClinVar variation 242183 (VCV000242183.1), dbSNP rs878855284, ClinGen allele CA10583805.